The following is an entry in ClinVar:

NM_003680.4(YARS1):c.820+11C>T

Genes: YARS1 (tyrosyl-tRNA synthetase 1; minus strand), LOC126805688 (BRD4-independent group 4 enhancer GRCh37_chr1:33251929-33253128; plus strand). Cytogenetic location: 1p35.1.
Variant type: single nucleotide variant.
Coding change: c.820+11C>T on transcript NM_003680.4 (MANE Select); 11 bases into the intron after coding-DNA position 820, C replaced by T.
Molecular consequence: intron variant.
Genome position (GRCh38, 1-based): chr1:32,786,929, G>A on the plus strand (C>T on the coding strand, the complement: YARS1 is on the minus strand). VCF-style: chr1-32786929-G-A. GRCh37 (hg19) VCF-style: chr1-33252530-G-A.
Identifiers: ClinVar variation 1681510 (VCV001681510.9), dbSNP rs372034259, ClinGen allele CA745103.

ClinVar aggregate classification (germline): Likely benign. Review status: criteria provided, multiple submitters, no conflicts (2 of 4 stars). 2 submissions from 2 submitters: Likely benign (2). Last evaluated 2025-07-16.

Conditions:
Charcot-Marie-Tooth disease dominant intermediate C (CMTDIC). Also called: CHARCOT-MARIE-TOOTH NEUROPATHY, DOMINANT INTERMEDIATE C. Identifiers: Orphanet 100045, MedGen C1842237, MONDO:0012012, OMIM 608323.

Allele frequency attached by ClinVar (database versions not stated): ExAC 0.00001; gnomAD exomes 0.00001; gnomAD 0.00003 and 0.00004; TOPMed 0.00003; ESP Exome Variant Server 0.00008; 1000 Genomes Project 0.00020; 1000 Genomes Project 30x 0.00031.
gnomAD v4.1: 15 of 1,613,976 alleles (0.00093%); highest among the groups gnomAD compares: East Asian, 0.016%; no homozygotes.

Submissions (2):

Women's Health and Genetics/Laboratory Corporation of America, LabCorp
Classification: Likely benign. Last evaluated: 2025-07-16. Review status: criteria provided, single submitter. Criteria: LabCorp Variant Classification Summary - May 2015. Collection method: clinical testing. Allele origin: germline.
Comment: Variant summary: YARS1 c.820+11C>T alters a non-conserved nucleotide located at a position not widely known to affect splicing. The variant was absent in 251372 control chromosomes. The available data on variant occurrences in the general population are insufficient to allow any conclusion about variant significance. To our knowledge, no occurrence of c.820+11C>T in individuals affected with Neurologic, endocrine, and pancreatic disease, multisystem, infantile-onset 2 and no experimental evidence demonstrating its impact on protein function have been reported. ClinVar contains an entry for this variant (Variation ID: 1681510). Based on the evidence outlined above, the variant was classified as likely benign.

Labcorp Genetics (formerly Invitae), Labcorp
Classification: Likely benign for Charcot-Marie-Tooth disease dominant intermediate C. Last evaluated: 2025-02-18. Review status: criteria provided, single submitter. Criteria: Invitae Variant Classification Sherloc (09022015). Collection method: clinical testing. Allele origin: germline.